The following is an entry in ClinVar:

NM_000143.4(FH):c.418G>C (p.Val140Leu)

Gene: FH (fumarate hydratase; minus strand). Cytogenetic location: 1q43.
Variant type: single nucleotide variant.
Coding change: c.418G>C on transcript NM_000143.4 (MANE Select); coding-DNA position 418, G replaced by C.
Protein change: p.Val140Leu; replaces valine 140 with leucine.
Molecular consequence: missense variant.
Genome position (GRCh38, 1-based): chr1:241,512,104, C>G on the plus strand (G>C on the coding strand, the complement: FH is on the minus strand). VCF-style: chr1-241512104-C-G. GRCh37 (hg19) VCF-style: chr1-241675404-C-G.
Other names: p.V140L:GTA>CTA; short protein forms V140L.
Identifiers: ClinVar variation 214394 (VCV000214394.12), dbSNP rs746195750, ClinGen allele CA320385.

ClinVar aggregate classification (germline): Uncertain significance. Review status: criteria provided, multiple submitters, no conflicts (2 of 4 stars). 5 submissions from 5 submitters: Uncertain significance (4). 1 of the submissions does not count toward it. Last evaluated 2025-11-22.

Conditions:
Hereditary cancer-predisposing syndrome. Also called: Tumor predisposition; Hereditary Cancer Syndrome; Hereditary neoplastic syndrome; Neoplastic Syndromes, Hereditary. Identifiers: Orphanet 140162, MedGen C0027672, MeSH D009386, MONDO:0015356.
Hereditary leiomyomatosis and renal cell cancer. Also called: LEIOMYOMA, MULTIPLE CUTANEOUS; Reed syndrome; Multiple cutaneous and uterine leiomyomatosis; Cutaneous leiomyomata with uterine leiomyomata; Leiomyoma, hereditary multiple, of skin; Multiple cutaneous and uterine leiomyomata. Identifiers: Orphanet 523, MedGen C1708350, MONDO:0007888, OMIM 150800, HP:0007437. Disease mechanism: loss of function.
Fumarase deficiency (FMRD). Also called: Fumaric aciduria; Fumarate Hydratase Deficiency. Identifiers: Orphanet 24, MedGen C0342770, MONDO:0011730, OMIM 606812.

gnomAD v4.1: 1 of 1,613,836 alleles (0.000062%); highest among the groups gnomAD compares: East Asian, 0.0022%; no homozygotes.

Submissions (5):

Labcorp Genetics (formerly Invitae), Labcorp
Classification: Uncertain significance. Last evaluated: 2025-11-22. Review status: criteria provided, single submitter. Criteria: Invitae Variant Classification Sherloc (09022015). Collection method: clinical testing. Allele origin: germline.
Comment: This sequence change replaces valine, which is neutral and non-polar, with leucine, which is neutral and non-polar, at codon 140 of the FH protein (p.Val140Leu). This variant is present in population databases (no rsID available, gnomAD 0.006%). This variant has not been reported in the literature in individuals affected with FH-related conditions. ClinVar contains an entry for this variant (Variation ID: 214394). Invitae Evidence Modeling of protein sequence and biophysical properties (such as structural, functional, and spatial information, amino acid conservation, physicochemical variation, residue mobility, and thermodynamic stability) indicates that this missense variant is expected to disrupt FH protein function with a positive predictive value of 95%. In summary, the available evidence is currently insufficient to determine the role of this variant in disease. Therefore, it has been classified as a Variant of Uncertain Significance.

Molecular Pathology, Peter Maccallum Cancer Centre
Classification: Uncertain significance for Hereditary leiomyomatosis and renal cell cancer. Last evaluated: 2025-06-12. Review status: criteria provided, single submitter. Criteria: ACMG Guidelines, 2015. Collection method: clinical testing. Allele origin: germline. Inheritance: Autosomal dominant inheritance.

Ambry Genetics
Classification: Uncertain significance for Hereditary cancer-predisposing syndrome. Last evaluated: 2024-04-22. Review status: criteria provided, single submitter. Criteria: Ambry Variant Classification Scheme 2023. Collection method: clinical testing. Allele origin: germline.
Comment: The p.V140L variant (also known as c.418G>C), located in coding exon 4 of the FH gene, results from a G to C substitution at nucleotide position 418. The valine at codon 140 is replaced by leucine, an amino acid with highly similar properties. This alteration has been reported in an individual with a personal history of paraganglioma (Seo SH et al. Endocrinol Metab (Seoul), 2020 Dec;35:909-917). This amino acid position is highly conserved in available vertebrate species. In addition, this alteration is predicted to be deleterious by in silico analysis. Based on the available evidence, the clinical significance of this variant remains unclear.

GeneDx
Classification: Uncertain significance. Last evaluated: 2023-08-16. Review status: criteria provided, single submitter. Criteria: GeneDx Variant Classification Process June 2021. Collection method: clinical testing. Allele origin: germline. Affected: yes.
Comment: Not observed at significant frequency in large population cohorts (gnomAD); In silico analysis supports that this missense variant does not alter protein structure/function; In silico analysis suggests this variant may impact gene splicing. In the absence of RNA/functional studies, the actual effect of this sequence change is unknown.; Observed in individual(s) with paraganglioma (Seo et al., 2020); This variant is associated with the following publications: (PMID: 28408749, 33397043)

Natera, Inc.
Classification: Uncertain significance for Fumarase deficiency. Last evaluated: 2020-09-16. Review status: no assertion criteria provided. Collection method: clinical testing. Allele origin: germline. Not counted in ClinVar's aggregate classification.

Literature cited by the submitters: PubMed 33397043 (cited by Ambry Genetics).